The following is an entry in ClinVar:

ClinVar aggregate classification (germline): Uncertain significance (1 of 4 stars; one submission).

Allele frequency attached by ClinVar (database versions not stated): TOPMed below 0.00001; ESP Exome Variant Server 0.00008.

Submission:

Labcorp Genetics (formerly Invitae), Labcorp
Classification: Uncertain significance. Last evaluated: 2023-07-07. Review status: criteria provided, single submitter. Criteria: Invitae Variant Classification Sherloc (09022015). Collection method: clinical testing. Allele origin: germline.
Comment: In summary, the available evidence is currently insufficient to determine the role of this variant in disease. Therefore, it has been classified as a Variant of Uncertain Significance. Advanced modeling of protein sequence and biophysical properties (such as structural, functional, and spatial information, amino acid conservation, physicochemical variation, residue mobility, and thermodynamic stability) performed at Invitae indicates that this missense variant is not expected to disrupt COL4A4 protein function. ClinVar contains an entry for this variant (Variation ID: 1926380). This variant has not been reported in the literature in individuals affected with COL4A4-related conditions. This variant is not present in population databases (gnomAD no frequency). This sequence change replaces alanine, which is neutral and non-polar, with valine, which is neutral and non-polar, at codon 431 of the COL4A4 protein (p.Ala431Val).

NM_000092.5(COL4A4):c.1292C>T (p.Ala431Val)

Gene: COL4A4 (collagen type IV alpha 4 chain; minus strand). Cytogenetic location: 2q36.3.
Variant type: single nucleotide variant.
Coding change: c.1292C>T on transcript NM_000092.5 (MANE Select); coding-DNA position 1292, C replaced by T.
Protein change: p.Ala431Val; replaces alanine 431 with valine.
Molecular consequence: missense variant.
Genome position (GRCh38, 1-based): chr2:227,094,202, G>A on the plus strand (C>T on the coding strand, the complement: COL4A4 is on the minus strand). VCF-style: chr2-227094202-G-A. GRCh37 (hg19) VCF-style: chr2-227958918-G-A.
Other names: short protein forms A431V.
Identifiers: ClinVar variation 1926380 (VCV001926380.5), dbSNP rs373583878, ClinGen allele CA66554447.